The following is an entry in ClinVar:

ClinVar aggregate classification (germline): Uncertain significance (1 of 4 stars; one submission).

Conditions:
Cardiovascular phenotype. Identifiers: MedGen CN230736.

Allele frequency attached by ClinVar (database versions not stated): gnomAD exomes below 0.00001; TOPMed below 0.00001; ExAC 0.00001.
gnomAD v4.1: 8 of 1,614,024 alleles (0.0005%); highest among the groups gnomAD compares: South Asian, 0.0077%; no homozygotes.

Submission:

Ambry Genetics
Classification: Uncertain significance for Cardiovascular phenotype. Last evaluated: 2019-10-24. Review status: criteria provided, single submitter. Criteria: Ambry Variant Classification Scheme 2023. Collection method: clinical testing. Allele origin: germline.
Comment: The p.I171T variant (also known as c.512T>C), located in coding exon 5 of the AKAP9 gene, results from a T to C substitution at nucleotide position 512. The isoleucine at codon 171 is replaced by threonine, an amino acid with similar properties. This amino acid position is not well conserved in available vertebrate species. In addition, this alteration is predicted to be tolerated by in silico analysis. Since supporting evidence is limited at this time, the clinical significance of this alteration remains unclear.

NM_005751.5(AKAP9):c.512T>C (p.Ile171Thr)

Gene: AKAP9 (A-kinase anchoring protein 9; plus strand). Cytogenetic location: 7q21.2.
Variant type: single nucleotide variant.
Coding change: c.512T>C on transcript NM_005751.5 (MANE Select); coding-DNA position 512, T replaced by C.
Protein change: p.Ile171Thr; replaces isoleucine 171 with threonine.
Molecular consequence: missense variant.
Genome position (GRCh38, 1-based): chr7:91,992,991, T>C. VCF-style: chr7-91992991-T-C. GRCh37 (hg19) VCF-style: chr7-91622305-T-C.
Other names: c.512T>C, p.Ile171Thr (NM_147185.3); short protein forms I171T.
Identifiers: ClinVar variation 1745543 (VCV001745543.2), dbSNP rs758207667, ClinGen allele CA4335835.